The following is an entry in ClinVar:

NM_000138.5(FBN1):c.4389C>G (p.Asn1463Lys)

Gene: FBN1 (fibrillin 1; minus strand). Cytogenetic location: 15q21.1.
Variant type: single nucleotide variant.
Coding change: c.4389C>G on transcript NM_000138.5 (MANE Select); coding-DNA position 4389, C replaced by G.
Protein change: p.Asn1463Lys; replaces asparagine 1463 with lysine.
Molecular consequence: missense variant.
Genome position (GRCh38, 1-based): chr15:48,470,704, G>C on the plus strand (C>G on the coding strand, the complement: FBN1 is on the minus strand). VCF-style: chr15-48470704-G-C. GRCh37 (hg19) VCF-style: chr15-48762901-G-C.
Other names: c.4389C>G, p.Asn1463Lys (NM_001406716.1); short protein forms N1463K.
Identifiers: ClinVar variation 3754071 (VCV003754071.2).

ClinVar aggregate classification (germline): Uncertain significance (1 of 4 stars; one submission).

Conditions:
Marfan syndrome (MFS). Also called: MARFAN SYNDROME, TYPE I; Marfan syndrome type 1; Marfan's syndrome; Marfan syndrome, classic; FBN1-Related Marfan Syndrome. Identifiers: Orphanet 284963, Orphanet 558, MedGen C0024796, MONDO:0007947, OMIM 154700.
Familial thoracic aortic aneurysm and aortic dissection (TAAD). Also called: Thoracic aortic aneurysms and dissections. Identifiers: Orphanet 91387, MedGen C4707243, MONDO:0019625.

Submission:

Labcorp Genetics (formerly Invitae), Labcorp
Classification: Uncertain significance for Marfan syndrome; Familial thoracic aortic aneurysm and aortic dissection. Last evaluated: 2024-08-08. Review status: criteria provided, single submitter. Criteria: Invitae Variant Classification Sherloc (09022015). Collection method: clinical testing. Allele origin: germline.
Comment: This sequence change replaces asparagine, which is neutral and polar, with lysine, which is basic and polar, at codon 1463 of the FBN1 protein (p.Asn1463Lys). This variant is not present in population databases (gnomAD no frequency). This missense change has been observed in individual(s) with clinical features of Marfan syndrome (Invitae). Advanced modeling of protein sequence and biophysical properties (such as structural, functional, and spatial information, amino acid conservation, physicochemical variation, residue mobility, and thermodynamic stability) performed at Invitae indicates that this missense variant is expected to disrupt FBN1 protein function with a positive predictive value of 95%. This variant disrupts the p.Asn1463 amino acid residue in FBN1. Other variant(s) that disrupt this residue have been observed in individuals with FBN1-related conditions (Invitae), which suggests that this may be a clinically significant amino acid residue. In summary, the available evidence is currently insufficient to determine the role of this variant in disease. Therefore, it has been classified as a Variant of Uncertain Significance.